The following is an entry in ClinVar:

NM_000029.3:c.634_635del

Gene: AGT (angiotensinogen; minus strand).
Variant type: Deletion.
Identifiers: ClinVar variation 4680896 (VCV004680896.1).

ClinVar aggregate classification (germline): Likely pathogenic (1 of 4 stars; one submission).

Submission:

GeneDx
Classification: Likely pathogenic. Last evaluated: 2025-06-30. Review status: criteria provided, single submitter. Criteria: GeneDx Variant Classification Process June 2021. Collection method: clinical testing. Allele origin: germline. Affected: yes.
Comment: Frameshift variant predicted to result in protein truncation or nonsense mediated decay in a gene for which loss of function is a known mechanism of disease; Not observed at significant frequency in large population cohorts (gnomAD); Has not been previously published as pathogenic or benign to our knowledge